The following is an entry in ClinVar:

NM_001297.5(CNGB1):c.2738T>C (p.Val913Ala)

Gene: CNGB1 (cyclic nucleotide gated channel subunit beta 1; minus strand). Cytogenetic location: 16q21.
Variant type: single nucleotide variant.
Coding change: c.2738T>C on transcript NM_001297.5 (MANE Select); coding-DNA position 2738, T replaced by C.
Protein change: p.Val913Ala; replaces valine 913 with alanine.
Molecular consequence: missense variant.
Genome position (GRCh38, 1-based): chr16:57,903,878, A>G on the plus strand (T>C on the coding strand, the complement: CNGB1 is on the minus strand). VCF-style: chr16-57903878-A-G. GRCh37 (hg19) VCF-style: chr16-57937782-A-G.
Other names: c.2720T>C, p.Val907Ala (NM_001286130.2); short protein forms V907A, V913A.
Identifiers: ClinVar variation 844874 (VCV000844874.7), dbSNP rs751512020, ClinGen allele CA8082843.

ClinVar aggregate classification (germline): Uncertain significance (1 of 4 stars; one submission).

Allele frequency attached by ClinVar (database versions not stated): gnomAD exomes below 0.00001 and 0.00002; TOPMed below 0.00001; gnomAD 0.00001; ExAC 0.00002.
gnomAD v4.1: 8 of 1,614,074 alleles (0.0005%); highest among the groups gnomAD compares: Admixed American, 0.01%; no homozygotes.

Submission:

Labcorp Genetics (formerly Invitae), Labcorp
Classification: Uncertain significance. Last evaluated: 2022-05-20. Review status: criteria provided, single submitter. Criteria: Invitae Variant Classification Sherloc (09022015). Collection method: clinical testing. Allele origin: germline.
Comment: This sequence change replaces valine, which is neutral and non-polar, with alanine, which is neutral and non-polar, at codon 913 of the CNGB1 protein (p.Val913Ala). This variant is present in population databases (rs751512020, gnomAD 0.02%). This variant has not been reported in the literature in individuals affected with CNGB1-related conditions. ClinVar contains an entry for this variant (Variation ID: 844874). Advanced modeling of protein sequence and biophysical properties (such as structural, functional, and spatial information, amino acid conservation, physicochemical variation, residue mobility, and thermodynamic stability) performed at Invitae indicates that this missense variant is expected to disrupt CNGB1 protein function. In summary, the available evidence is currently insufficient to determine the role of this variant in disease. Therefore, it has been classified as a Variant of Uncertain Significance.